The following is an entry in ClinVar:

NM_001122630.2(CDKN1C):c.404C>G (p.Ser135Cys)

Gene: CDKN1C (cyclin dependent kinase inhibitor 1C; minus strand). Cytogenetic location: 11p15.4.
Variant type: single nucleotide variant.
Coding change: c.404C>G on transcript NM_001122630.2 (MANE Select); coding-DNA position 404, C replaced by G.
Protein change: p.Ser135Cys; replaces serine 135 with cysteine.
Molecular consequence: missense variant. On other transcripts: intron variant (1).
Genome position (GRCh38, 1-based): chr11:2,885,053, G>C on the plus strand (C>G on the coding strand, the complement: CDKN1C is on the minus strand). VCF-style: chr11-2885053-G-C. GRCh37 (hg19) VCF-style: chr11-2906283-G-C.
Other names: c.437C>G, p.Ser146Cys (NM_000076.2, NM_001362474.2); c.404C>G, p.Ser135Cys (NM_001122631.2); c.255+149C>G (NM_001362475.2); short protein forms S135C, S146C.
Identifiers: ClinVar variation 2765272 (VCV002765272.3), dbSNP rs2494388108, ClinGen allele CA379146695.

ClinVar aggregate classification (germline): Uncertain significance (1 of 4 stars; one submission).

Conditions:
Beckwith-Wiedemann syndrome (BWS). Also called: EMG SYNDROME; Exomphalos macroglossia gigantism syndrome. Identifiers: Orphanet 116, MedGen C0004903, MONDO:0007534, OMIM 130650.

Submission:

Labcorp Genetics (formerly Invitae), Labcorp
Classification: Uncertain significance for Beckwith-Wiedemann syndrome. Last evaluated: 2023-10-04. Review status: criteria provided, single submitter. Criteria: Invitae Variant Classification Sherloc (09022015). Collection method: clinical testing. Allele origin: germline.
Comment: This sequence change replaces serine, which is neutral and polar, with cysteine, which is neutral and slightly polar, at codon 146 of the CDKN1C protein (p.Ser146Cys). This variant is not present in population databases (gnomAD no frequency). This variant has not been reported in the literature in individuals affected with CDKN1C-related conditions. Experimental studies and prediction algorithms are not available or were not evaluated, and the functional significance of this variant is currently unknown. In summary, the available evidence is currently insufficient to determine the role of this variant in disease. Therefore, it has been classified as a Variant of Uncertain Significance.